The following is an entry in ClinVar:

NM_003128.3(SPTBN1):c.4163del (p.Ser1388fs)

Gene: SPTBN1 (spectrin beta, non-erythrocytic 1; plus strand). Cytogenetic location: 2p16.2.
Variant type: Deletion.
Coding change: c.4163del on transcript NM_003128.3 (MANE Select); coding-DNA position 4163, one base deleted (G; older notation c.4163delG).
Protein change: p.Ser1388fs; shifts the reading frame from serine 1388.
Molecular consequence: frameshift variant.
Genome position (GRCh38, 1-based): chr2:54,644,480, G deleted. VCF-style (leftmost placement, unchanged base first): chr2-54644479-AG-A. GRCh37 (hg19) VCF-style: chr2-54871616-AG-A.
Other names: c.4124del, p.Ser1375fs (NM_178313.3); short protein forms S1375fs, S1388fs.
Identifiers: ClinVar variation 4850809 (VCV004850809.1).

ClinVar aggregate classification (germline): Likely pathogenic (1 of 4 stars; one submission).

Conditions:
Developmental delay, impaired speech, and behavioral abnormalities. Identifiers: MedGen C5561957, MONDO:0859178, OMIM 619475.

Submission:

Variantyx, Inc.
Classification: Likely pathogenic for Developmental delay, impaired speech, and behavioral abnormalities. Last evaluated: 2026-01-12. Review status: criteria provided, single submitter. Criteria: Variantyx Assertion Criteria 2022. Collection method: clinical testing. Allele origin: germline. Inheritance: Autosomal dominant inheritance. Affected: yes.
Comment: This is a frameshift variant in the SPTBN1 gene (OMIM: 182790). Pathogenic variants in this gene have been associated with autosomal dominant developmental delay, impaired speech, and behavioral abnormalities. This variant introduces a premature termination codon in exon 20 out of 36and is expected to result in loss of function, which is a known disease mechanism for SPTBN1 in this disorder (PMID: 33847457, 34211179) (PVS1). This variant is absent from control populations (PM2). This variant has not been reported in individuals with SPTBN1-related disorders in the databases available for review. Based on the current evidence, this variant is classified as likely pathogenic for autosomal dominant developmental delay, impaired speech, and behavioral abnormalities.Inheritance from an unaffected or mildly affected parent has been reported, consistent with incomplete penetrance and variable expressivity (PMID: 33847457).

Literature cited by the submitters: PubMed 33847457; PubMed 34211179.